The following is an entry in ClinVar:

NM_177550.5(SLC13A5):c.1450G>A (p.Gly484Ser)

Gene: SLC13A5 (solute carrier family 13 member 5; minus strand). Cytogenetic location: 17p13.1.
Variant type: single nucleotide variant.
Coding change: c.1450G>A on transcript NM_177550.5 (MANE Select); coding-DNA position 1450, G replaced by A.
Protein change: p.Gly484Ser; replaces glycine 484 with serine.
Molecular consequence: missense variant. On other transcripts: intron variant (1).
Genome position (GRCh38, 1-based): chr17:6,687,654, C>T on the plus strand (G>A on the coding strand, the complement: SLC13A5 is on the minus strand). VCF-style: chr17-6687654-C-T. GRCh37 (hg19) VCF-style: chr17-6590973-C-T.
Other names: c.1399G>A, p.Gly467Ser (NM_001284509.2); c.1321G>A, p.Gly441Ser (NM_001284510.2); c.1438-1316G>A (NM_001143838.3); short protein forms G484S, G441S, G467S.
Identifiers: ClinVar variation 475195 (VCV000475195.4), dbSNP rs779942374, ClinGen allele CA8331365.
Genomic context (GRCh38, chr17:6,687,654, plus strand): 5'-ACATGAAGGCAAAGGAGGCACTCAGGGTACAGGGCAGCATGATGTACAGCGGATTGAGGC[C>T]GATGGAGCGAGACTGCGGAAAAACAGCACTGCAACATCACCGTACAGAACACAGAAGCTC-3'
Protein context (NP_808218.1, residues 474-494): PIFASMSRSI[Gly484Ser]LNPLYIMLPC

ClinVar aggregate classification (germline): Uncertain significance (1 of 4 stars; one submission).

Conditions:
Developmental and epileptic encephalopathy, 25 (DEE25). Also called: Developmental and epileptic encephalopathy 25, with amelogenesis imperfecta; Epileptic encephalopathy, early infantile, 25, with amelogenesis imperfecta; Epileptic encephalopathy, early infantile, 25. Identifiers: Orphanet 442835, MedGen C4014621, MONDO:0014392, OMIM 615905.

Allele frequency attached by ClinVar (database versions not stated): gnomAD exomes 0.00001; gnomAD 0.00003.
gnomAD v4.1: 15 of 1,602,738 alleles (0.00094%); highest among the groups gnomAD compares: Non-Finnish European, 0.0012%; no homozygotes.

Submission:

Labcorp Genetics (formerly Invitae), Labcorp
Classification: Uncertain significance for Developmental and epileptic encephalopathy, 25. Last evaluated: 2022-10-17. Review status: criteria provided, single submitter. Criteria: Invitae Variant Classification Sherloc (09022015). Collection method: clinical testing. Allele origin: germline.
Comment: This sequence change replaces glycine, which is neutral and non-polar, with serine, which is neutral and polar, at codon 484 of the SLC13A5 protein (p.Gly484Ser). This variant is present in population databases (rs779942374, gnomAD 0.002%). This variant has not been reported in the literature in individuals affected with SLC13A5-related conditions. ClinVar contains an entry for this variant (Variation ID: 475195). Advanced modeling of protein sequence and biophysical properties (such as structural, functional, and spatial information, amino acid conservation, physicochemical variation, residue mobility, and thermodynamic stability) performed at Invitae indicates that this missense variant is not expected to disrupt SLC13A5 protein function. In summary, the available evidence is currently insufficient to determine the role of this variant in disease. Therefore, it has been classified as a Variant of Uncertain Significance.